The following is an entry in ClinVar:

ClinVar aggregate classification (germline): Uncertain significance (1 of 4 stars; one submission).

Conditions:
Intellectual developmental disorder, X-linked 96. Also called: Intellectual disability, X-linked 96. Identifiers: Orphanet 777, MedGen C3275408, MONDO:0010429, OMIM 300802.

Submission:

Neuberg Centre For Genomic Medicine, NCGM
Classification: Uncertain significance for Intellectual developmental disorder, X-linked 96. Review status: criteria provided, single submitter. Criteria: ACMG Guidelines, 2015. Collection method: clinical testing. Allele origin: germline. Inheritance: X-linked recessive inheritance. Affected: yes.
Comment: The observed missense c.49G>Ap.Gly17Ser variant in SYP gene has not been reported previously as a pathogenic variant nor as a benign variant, to our knowledge. This variant is absent in gnomAD Exomes. The amino acid Gly at position 17 is changed to a Ser changing protein sequence and it might alter its composition and physico-chemical properties. The amino acid change p.Gly17Ser in SYP is predicted as conserved by GERP++ and PhyloP across 100 vertebrates. Computational evidence Polyphen - Damaging, SIFT - Tolerated, and MutationTaster - Disease causing predicts conflicting evidence on protein structure and function for this variant. For these reasons, this variant has been classified as Uncertain Significance.

NM_003179.3(SYP):c.49G>A (p.Gly17Ser)

Genes: SYP (synaptophysin; minus strand), SYP-AS1 (SYP antisense RNA 1; plus strand). Cytogenetic location: Xp11.23.
Variant type: single nucleotide variant.
Coding change: c.49G>A on transcript NM_003179.3 (MANE Select); coding-DNA position 49, G replaced by A.
Protein change: p.Gly17Ser; replaces glycine 17 with serine.
Molecular consequence: missense variant. On other transcripts: non-coding transcript variant (1).
Genome position (GRCh38, 1-based): chrX:49,199,021, C>T on the plus strand (G>A on the coding strand, the complement: SYP is on the minus strand). VCF-style: chrX-49199021-C-T. GRCh37 (hg19) VCF-style: chrX-49055480-C-T.
Other names: short protein forms G17S.
Identifiers: ClinVar variation 2664186 (VCV002664186.3), dbSNP rs2520617657, ClinGen allele CA412954881.